The following is an entry in ClinVar:

ClinVar aggregate classification (germline): Uncertain significance (1 of 4 stars; one submission).

Conditions:
Charcot-Marie-Tooth disease type 4. Also called: Charcot-Marie-Tooth, Type 4; Charcot-Marie-Tooth disease, type IV. Identifiers: Orphanet 64749, MedGen C4082197, MONDO:0018995.
Charcot-Marie-Tooth disease type 4D. Also called: NEUROPATHY, HEREDITARY MOTOR AND SENSORY, LOM TYPE; CHARCOT-MARIE-TOOTH DISEASE, DEMYELINATING, TYPE 4D; Charcot-Marie-Tooth Neuropathy Type 4D; CHARCOT-MARIE-TOOTH DISEASE, DEMYELINATING, AUTOSOMAL RECESSIVE, TYPE 4D. Identifiers: Orphanet 99950, MedGen C1832334, MONDO:0011085, OMIM 601455.

Submission:

Labcorp Genetics (formerly Invitae), Labcorp
Classification: Uncertain significance for Charcot-Marie-Tooth disease type 4. Last evaluated: 2021-09-01. Review status: criteria provided, single submitter. Criteria: Invitae Variant Classification Sherloc (09022015). Collection method: clinical testing. Allele origin: germline.
Comment: This sequence change replaces isoleucine with threonine at codon 59 of the NDRG1 protein (p.Ile59Thr). The isoleucine residue is highly conserved and there is a moderate physicochemical difference between isoleucine and threonine. This variant is not present in population databases (ExAC no frequency). This variant has not been reported in the literature in individuals affected with NDRG1-related conditions. Algorithms developed to predict the effect of missense changes on protein structure and function are either unavailable or do not agree on the potential impact of this missense change (SIFT: "Deleterious"; PolyPhen-2: "Probably Damaging"; Align-GVGD: "Class C0"). In summary, the available evidence is currently insufficient to determine the role of this variant in disease. Therefore, it has been classified as a Variant of Uncertain Significance.

NM_006096.4(NDRG1):c.176T>C (p.Ile59Thr)

Gene: NDRG1 (N-myc downstream regulated 1; minus strand). Cytogenetic location: 8q24.22.
Variant type: single nucleotide variant.
Coding change: c.176T>C on transcript NM_006096.4 (MANE Select); coding-DNA position 176, T replaced by C.
Protein change: p.Ile59Thr; replaces isoleucine 59 with threonine.
Molecular consequence: missense variant. On other transcripts: 5 prime UTR variant (2), intron variant (1).
Genome position (GRCh38, 1-based): chr8:133,264,576, A>G on the plus strand (T>C on the coding strand, the complement: NDRG1 is on the minus strand). VCF-style: chr8-133264576-A-G. GRCh37 (hg19) VCF-style: chr8-134276819-A-G.
Other names: c.176T>C, p.Ile59Thr (NM_001135242.2, NM_001374844.1, NM_001374845.1 and 1 more transcripts); c.-23T>C (NM_001258432.2, NM_001374847.1); c.-38-2409T>C (NM_001258433.2); short protein forms I59T.
Identifiers: ClinVar variation 955900 (VCV000955900.9), dbSNP rs1856819839, ClinGen allele CA372256487.